The following is an entry in ClinVar:

ClinVar aggregate classification (germline): Uncertain significance. Review status: criteria provided, multiple submitters, no conflicts (2 of 4 stars). 2 submissions from 2 submitters: Uncertain significance (2). Last evaluated 2026-03-05.

Conditions:
Mitochondrial complex II deficiency, nuclear type 1. Also called: SUCCINATE CoQ REDUCTASE DEFICIENCY. Identifiers: Orphanet 3208, MedGen C5700310, MONDO:0100294, OMIM 252011.
Pheochromocytoma/paraganglioma syndrome 5. Also called: Paragangliomas 5; SDHA-Related Hereditary Paraganglioma-Pheochromocytoma Syndrome. Identifiers: Orphanet 29072, MedGen C3279992, MONDO:0013602, OMIM 614165.
Hereditary cancer-predisposing syndrome. Also called: Neoplastic Syndromes, Hereditary; Hereditary Cancer Syndrome; Hereditary neoplastic syndrome; Tumor predisposition. Identifiers: Orphanet 140162, MedGen C0027672, MeSH D009386, MONDO:0015356.

Allele frequency attached by ClinVar (database versions not stated): gnomAD exomes below 0.00001 and 0.00001; ExAC 0.00001.
gnomAD v4.1: 5 of 1,612,714 alleles (0.00031%); highest among the groups gnomAD compares: South Asian, 0.0033%; no homozygotes.

Submissions (2):

Ambry Genetics
Classification: Uncertain significance for Hereditary cancer-predisposing syndrome. Last evaluated: 2026-03-05. Review status: criteria provided, single submitter. Criteria: Ambry Variant Classification Scheme 2023. Collection method: clinical testing. Allele origin: germline.
Comment: The p.E154G variant (also known as c.461A>G), located in coding exon 5 of the SDHA gene, results from an A to G substitution at nucleotide position 461. The glutamic acid at codon 154 is replaced by glycine, an amino acid with similar properties. This amino acid position is highly conserved in available vertebrate species. In addition, this alteration is predicted to be deleterious by in silico analysis. Based on the available evidence, the clinical significance of this variant remains unclear.

Labcorp Genetics (formerly Invitae), Labcorp
Classification: Uncertain significance for Pheochromocytoma/paraganglioma syndrome 5; Mitochondrial complex II deficiency, nuclear type 1. Last evaluated: 2021-04-23. Review status: criteria provided, single submitter. Criteria: Invitae Variant Classification Sherloc (09022015). Collection method: clinical testing. Allele origin: germline.
Comment: In summary, the available evidence is currently insufficient to determine the role of this variant in disease. Therefore, it has been classified as a Variant of Uncertain Significance. Algorithms developed to predict the effect of missense changes on protein structure and function do not agree on the potential impact of this missense change (SIFT: "Deleterious"; PolyPhen-2: "Probably Damaging"; Align-GVGD: "Class C15"). This variant has not been reported in the literature in individuals with SDHA-related disease. ClinVar contains an entry for this variant (Variation ID: 486403). This variant is present in population databases (rs777873911, ExAC 0.006%). This sequence change replaces glutamic acid with glycine at codon 154 of the SDHA protein (p.Glu154Gly). The glutamic acid residue is highly conserved and there is a moderate physicochemical difference between glutamic acid and glycine.

NM_004168.4(SDHA):c.461A>G (p.Glu154Gly)

Gene: SDHA (succinate dehydrogenase complex flavoprotein subunit A; plus strand). Cytogenetic location: 5p15.33.
Variant type: single nucleotide variant.
Coding change: c.461A>G on transcript NM_004168.4 (MANE Select); coding-DNA position 461, A replaced by G.
Protein change: p.Glu154Gly; replaces glutamic acid 154 with glycine.
Molecular consequence: missense variant.
Genome position (GRCh38, 1-based): chr5:225,887, A>G. VCF-style: chr5-225887-A-G. GRCh37 (hg19) VCF-style: chr5-226002-A-G.
Other names: c.317A>G, p.Glu106Gly (NM_001294332.2); c.461A>G, p.Glu154Gly (NM_001330758.2); short protein forms E154G, E106G.
Identifiers: ClinVar variation 486403 (VCV000486403.16), dbSNP rs777873911, ClinGen allele CA3172854.